The following is an entry in ClinVar:

ClinVar aggregate classification (germline): Likely pathogenic (1 of 4 stars; one submission).

Conditions:
Microcephaly, short stature, and impaired glucose metabolism 1 (MSSGM1). Identifiers: Orphanet 391408, MedGen C4014997, MONDO:0000208, OMIM 616033.

gnomAD v4.1: 1 of 1,611,792 alleles (0.000062%); highest among the groups gnomAD compares: South Asian, 0.0011%; no homozygotes.

Submission:

First Genomix Gene Laboratory, Genetic Diagnostics Department
Classification: Likely pathogenic for Microcephaly, short stature, and impaired glucose metabolism 1. Last evaluated: 2025-09-04. Review status: criteria provided, single submitter. Criteria: ACMG Guidelines, 2015. Collection method: clinical testing. Allele origin: germline. Inheritance: Autosomal recessive inheritance. Affected: no. Observed: 1 variant allele.

NM_001134665.3(TRMT10A):c.623T>A (p.Leu208Ter)

Gene: TRMT10A (tRNA methyltransferase 10A; minus strand). Cytogenetic location: 4q23.
Variant type: single nucleotide variant.
Coding change: c.623T>A on transcript NM_001134665.3 (MANE Select); coding-DNA position 623, T replaced by A.
Protein change: p.Leu208Ter; replaces leucine 208 with a stop codon.
Molecular consequence: nonsense.
Genome position (GRCh38, 1-based): chr4:99,553,807, A>T on the plus strand (T>A on the coding strand, the complement: TRMT10A is on the minus strand). VCF-style: chr4-99553807-A-T. GRCh37 (hg19) VCF-style: chr4-100474964-A-T.
Other names: c.623T>A, p.Leu208Ter (NM_001134666.3, NM_001375880.1, NM_001375881.1 and 2 more transcripts); short protein forms L208*.
Identifiers: ClinVar variation 4850283 (VCV004850283.1).
Genomic context (GRCh38, chr4:99,553,807, plus strand): 5'-AAGAACAAGCAAAAGCAAAAATAAAAATTTAATAGTACCTTGTGATGGTTGTGATCTACT[A>T]ATCCTCCAATCACATAGGCCTTTGATTCATCTAATTCCTTCAGTATATTAGGTGAATCTG-3'